The following is an entry in ClinVar:

NM_005908.4(MANBA):c.2158-166dup

Gene: MANBA (mannosidase beta; minus strand). Cytogenetic location: 4q24.
Variant type: Duplication.
Coding change: c.2158-166dup on transcript NM_005908.4 (MANE Select); 166 bases into the intron before coding-DNA position 2158, one base duplicated (A; older notation c.2158-166dupA).
Molecular consequence: intron variant.
Genome position (GRCh38, 1-based): chr4:102,635,211, T duplicated on the plus strand (A on the coding strand, the reverse complement: MANBA is on the minus strand). VCF-style (leftmost placement, unchanged base first): chr4-102635210-G-GT. GRCh37 (hg19) VCF-style: chr4-103556367-G-GT.
Identifiers: ClinVar variation 667474 (VCV000667474.1), dbSNP rs11436517, ClinGen allele CA102712557.

ClinVar aggregate classification (germline): Benign (1 of 4 stars; one submission).

Allele frequency attached by ClinVar (database versions not stated): 1000 Genomes Project 0.54912; gnomAD 0.54964 and 0.55343; 1000 Genomes Project 30x 0.55856; TOPMed 0.56671.

Submission:

GeneDx
Classification: Benign. Last evaluated: 2018-06-19. Review status: criteria provided, single submitter. Criteria: GeneDx Variant Classification (06012015). Collection method: clinical testing. Allele origin: germline. Affected: yes.
Comment: This variant is considered likely benign or benign based on one or more of the following criteria: it is a conservative change, it occurs at a poorly conserved position in the protein, it is predicted to be benign by multiple in silico algorithms, and/or has population frequency not consistent with disease.